The following is an entry in ClinVar:

NM_133497.4(KCNV2):c.946G>C (p.Glu316Gln)

Gene: KCNV2 (potassium voltage-gated channel modifier subfamily V member 2; plus strand). Cytogenetic location: 9p24.2.
Variant type: single nucleotide variant.
Coding change: c.946G>C on transcript NM_133497.4 (MANE Select); coding-DNA position 946, G replaced by C.
Protein change: p.Glu316Gln; replaces glutamic acid 316 with glutamine.
Molecular consequence: missense variant.
Genome position (GRCh38, 1-based): chr9:2,718,685, G>C. VCF-style: chr9-2718685-G-C. GRCh37 (hg19) VCF-style: chr9-2718685-G-C.
Other names: short protein forms E316Q.
Identifiers: ClinVar variation 838789 (VCV000838789.10), dbSNP rs761886297, ClinGen allele CA4965696.

ClinVar aggregate classification (germline): Uncertain significance. Review status: criteria provided, multiple submitters, no conflicts (2 of 4 stars). 4 submissions from 4 submitters: Uncertain significance (4). Last evaluated 2026-03-13.

Conditions:
Inborn genetic diseases. Identifiers: MedGen C0950123, MeSH D030342.
KCNV2-related disorder. Also called: KCNV2-related condition.

Allele frequency attached by ClinVar (database versions not stated): gnomAD exomes 0.00002 and 0.00004; ExAC 0.00003; gnomAD 0.00022 and 0.00024; TOPMed 0.00037.
gnomAD v4.1: 63 of 1,613,194 alleles (0.0039%); highest among the groups gnomAD compares: Admixed American, 0.052%; no homozygotes.

Submissions (4):

PreventionGenetics, part of Exact Sciences
Classification: Uncertain significance for KCNV2-related condition. Last evaluated: 2026-03-13. Review status: criteria provided, single submitter. Criteria: ACMG Guidelines, 2015. Collection method: clinical testing. Allele origin: germline.
Comment: The KCNV2 c.946G>C variant is predicted to result in the amino acid substitution p.Glu316Gln. To our knowledge, this variant has not been reported in the literature. This variant is reported in 0.036% of alleles in individuals of African descent in gnomAD. At this time, the clinical significance of this variant is uncertain due to the absence of conclusive functional and genetic evidence.

Ambry Genetics
Classification: Uncertain significance for Inborn genetic diseases. Last evaluated: 2024-08-04. Review status: criteria provided, single submitter. Criteria: Ambry Variant Classification Scheme 2023. Collection method: clinical testing. Allele origin: germline.

Blueprint Genetics
Classification: Uncertain significance. Last evaluated: 2023-08-30. Review status: criteria provided, single submitter. Criteria: ACMG Guidelines, 2015. Collection method: clinical testing. Allele origin: germline.

Labcorp Genetics (formerly Invitae), Labcorp
Classification: Uncertain significance. Last evaluated: 2022-10-05. Review status: criteria provided, single submitter. Criteria: Invitae Variant Classification Sherloc (09022015). Collection method: clinical testing. Allele origin: germline.
Comment: This sequence change replaces glutamic acid, which is acidic and polar, with glutamine, which is neutral and polar, at codon 316 of the KCNV2 protein (p.Glu316Gln). This variant is present in population databases (rs761886297, gnomAD 0.04%). This variant has not been reported in the literature in individuals affected with KCNV2-related conditions. ClinVar contains an entry for this variant (Variation ID: 838789). Algorithms developed to predict the effect of missense changes on protein structure and function (SIFT, PolyPhen-2, Align-GVGD) all suggest that this variant is likely to be disruptive. In summary, the available evidence is currently insufficient to determine the role of this variant in disease. Therefore, it has been classified as a Variant of Uncertain Significance.